The following is an entry in ClinVar:

NM_001364905.1(LRBA):c.3116C>T (p.Thr1039Ile)

Gene: LRBA (LPS responsive beige-like anchor protein; minus strand). Cytogenetic location: 4q31.3.
Variant type: single nucleotide variant.
Coding change: c.3116C>T on transcript NM_001364905.1 (MANE Select); coding-DNA position 3116, C replaced by T.
Protein change: p.Thr1039Ile; replaces threonine 1039 with isoleucine.
Molecular consequence: missense variant.
Genome position (GRCh38, 1-based): chr4:150,852,594, G>A on the plus strand (C>T on the coding strand, the complement: LRBA is on the minus strand). VCF-style: chr4-150852594-G-A. GRCh37 (hg19) VCF-style: chr4-151773746-G-A.
Other names: p.Thr1039Ile; c.3116C>T, p.Thr1039Ile (NM_001199282.3, NM_001367550.1, NM_006726.5); short protein forms T1039I.
Identifiers: ClinVar variation 1980266 (VCV001980266.3), dbSNP rs747464117, ClinGen allele CA3103094.

ClinVar aggregate classification (germline): Conflicting classifications of pathogenicity. Review status: criteria provided, conflicting classifications (1 of 4 stars). 3 submissions from 3 submitters: Uncertain significance (2); Likely benign (1). Last evaluated 2025-05-30.

Conditions:
Inborn genetic diseases. Identifiers: MedGen C0950123, MeSH D030342.
Combined immunodeficiency due to LRBA deficiency. Also called: Common variable immunodeficiency 8, with autoimmunity. Identifiers: Orphanet 445018, MedGen C3553512, MONDO:0013863, OMIM 614700.

Allele frequency attached by ClinVar (database versions not stated): TOPMed below 0.00001; ExAC 0.00001; gnomAD exomes 0.00001.
gnomAD v4.1: 13 of 1,613,940 alleles (0.00081%); highest among the groups gnomAD compares: Non-Finnish European, 0.001%; no homozygotes.

Submissions (3):

Ambry Genetics
Classification: Likely benign for Inborn genetic diseases. Last evaluated: 2025-05-30. Review status: criteria provided, single submitter. Criteria: Ambry Variant Classification Scheme 2023. Collection method: clinical testing. Allele origin: germline.

Mayo Clinic Laboratories, Mayo Clinic
Classification: Uncertain significance. Last evaluated: 2025-02-06. Review status: criteria provided, single submitter. Criteria: ACMG Guidelines, 2015. Collection method: clinical testing. Allele origin: germline. Observed: 1 variant allele.
Comment: BP4, PM2_supporting

Labcorp Genetics (formerly Invitae), Labcorp
Classification: Uncertain significance for Combined immunodeficiency due to LRBA deficiency. Last evaluated: 2022-06-08. Review status: criteria provided, single submitter. Criteria: Invitae Variant Classification Sherloc (09022015). Collection method: clinical testing. Allele origin: germline.
Comment: This sequence change replaces threonine, which is neutral and polar, with isoleucine, which is neutral and non-polar, at codon 1039 of the LRBA protein (p.Thr1039Ile). This variant is present in population databases (rs747464117, gnomAD 0.002%). This variant has not been reported in the literature in individuals affected with LRBA-related conditions. Algorithms developed to predict the effect of missense changes on protein structure and function output the following: SIFT: "Tolerated"; PolyPhen-2: "Benign"; Align-GVGD: "Class C0". The isoleucine amino acid residue is found in multiple mammalian species, which suggests that this missense change does not adversely affect protein function. In summary, the available evidence is currently insufficient to determine the role of this variant in disease. Therefore, it has been classified as a Variant of Uncertain Significance.